The following is an entry in ClinVar:

GRCh38/hg38 17q12(chr17:36459737-37884737)x3

Genes: MIR378J (microRNA 378j; minus strand), MRM1 (mitochondrial rRNA methyltransferase 1; plus strand), MIR2909 (microRNA 2909; plus strand), MYO19 (myosin XIX; minus strand), AATF (apoptosis antagonizing transcription factor; plus strand) and 30 more. Cytogenetic location: 17q12.
Variant type: copy number gain.
Change: copy number 3 (three copies instead of two) of chr17:36,459,737-37,884,737 (1.43 Mb, GRCh38 coordinates, 1-based), cytogenetic band 17q12.
Identifiers: ClinVar variation 4755384 (VCV004755384.1).

ClinVar aggregate classification (germline): Pathogenic (1 of 4 stars; one submission).

Submission:

Clinical Genomics Laboratory, Laboratory for Precision Diagnostics, University of Washington
Classification: Pathogenic. Last evaluated: 2021-05-13. Review status: criteria provided, single submitter. Criteria: ACMG/ClinGen CNV Guidelines, 2019. Collection method: clinical testing. Allele origin: unknown. Affected: yes. Observed: 1 variant allele.
Comment: The 17q12 duplication detected in this person is a pathogenic copy number alteration, known as the 17q12 recurrent duplication.

Literature cited by the submitters: PubMed 30134084; PubMed 27409573; PubMed 23258348.